The following is an entry in ClinVar:

NM_015272.5(RPGRIP1L):c.2648del (p.Pro883fs)

Gene: RPGRIP1L (RPGRIP1 like; minus strand). Cytogenetic location: 16q12.2.
Variant type: Deletion.
Coding change: c.2648del on transcript NM_015272.5 (MANE Select); coding-DNA position 2648, one base deleted (C; older notation c.2648delC).
Protein change: p.Pro883fs; shifts the reading frame from proline 883.
Molecular consequence: frameshift variant.
Genome position (GRCh38, 1-based): chr16:53,645,660, G deleted on the plus strand (C on the coding strand, the reverse complement: RPGRIP1L is on the minus strand); the first of 2 consecutive G bases (chr16:53,645,660-53,645,661); deleting either gives the same sequence. VCF-style (leftmost placement, unchanged base first): chr16-53645659-AG-A. GRCh37 (hg19) VCF-style: chr16-53679571-AG-A.
Other names: c.2648del, p.Pro883fs (NM_001127897.4, NM_001308334.3, NM_001330538.2); short protein forms P883fs.
Identifiers: ClinVar variation 4060891 (VCV004060891.4).
Genomic context (GRCh38, chr16:53,645,659, plus strand): 5'-TTATAGATTCAAAAACATAGGCTTACCTGAGATACACCTGTCATGTGCCAACGAAATCAG[AG>A]GCACATTGACTTTTCCTATGTAAATATTCTCCTGGGTATCACTATCATCAAAAACATAAA-3'

ClinVar aggregate classification (germline): Likely pathogenic. Review status: criteria provided, multiple submitters, no conflicts (2 of 4 stars). 2 submissions from 2 submitters: Likely pathogenic (2). Last evaluated 2025-01-13.

Conditions:
Meckel syndrome, type 5 (MKS5). Identifiers: Orphanet 564, MedGen C1969052, MONDO:0012695, OMIM 611561.
Joubert syndrome 7 (JBTS7). Identifiers: Orphanet 220497, MedGen C1969053, MONDO:0012694, OMIM 611560.
COACH syndrome 3. Identifiers: MedGen C5436841, MONDO:0030862, OMIM 619113.
Joubert syndrome. Also called: JOUBERT-BOLTSHAUSER SYNDROME; Familial aplasia of the vermis. Identifiers: Orphanet 475, MedGen C5979921, MONDO:0018772.

Submissions (2):

Natera, Inc.
Classification: Likely pathogenic for Joubert syndrome. Last evaluated: 2025-01-13. Review status: criteria provided, single submitter. Criteria: Natera Variant Classification Schema (03/2026). Collection method: clinical testing. Allele origin: germline.
Comment: The c.2648del variant in RPGRIP1L is a frameshift variant predicted to shift the reading frame beginning at codon 883 and leads to a stop codon 2 codons downstream. This variant is expected to result in nonsense mediated decay, truncation, or a dysfunctional protein product. This variant is rare in the general population with a frequency below the threshold expected for the associated phenotype(s). Given the available evidence, this variant is classified as Likely Pathogenic.

Juno Genomics, Hangzhou Juno Genomics, Inc
Classification: Likely pathogenic for COACH syndrome 3; Joubert syndrome 7; Meckel syndrome, type 5. Review status: criteria provided, single submitter. Criteria: ACMG Guidelines, 2015. Collection method: clinical testing. Allele origin: germline.
Comment: Null variant in a gene where loss of function (LOF) is a known mechanism of disease.;Absent from controls (or at extremely low frequency if recessive) in Genome Aggregation Database.